The following is an entry in ClinVar:

NM_017514.5(PLXNA3):c.241C>G (p.Pro81Ala)

Gene: PLXNA3 (plexin A3; plus strand). Cytogenetic location: Xq28.
Variant type: single nucleotide variant.
Coding change: c.241C>G on transcript NM_017514.5 (MANE Select); coding-DNA position 241, C replaced by G.
Protein change: p.Pro81Ala; replaces proline 81 with alanine.
Molecular consequence: missense variant.
Genome position (GRCh38, 1-based): chrX:154,460,424, C>G. VCF-style: chrX-154460424-C-G. GRCh37 (hg19) VCF-style: chrX-153688764-C-G.
Other names: short protein forms P81A.
Identifiers: ClinVar variation 2634363 (VCV002634363.4), dbSNP rs371800667, ClinGen allele CA10563635.
Genomic context (GRCh38, chrX:154,460,424, plus strand): 5'-ACTGAGCTGCGGGCCCATGTCACGGGGCCCGTCGAGGACAACGCTCGCTGCTACCCGCCC[C>G]CCAGCATGCGCGTGTGTGCCCACCGCCTGGCCCCCGTGGACAACATCAACAAGCTGCTGC-3'
Protein context (NP_059984.3, residues 71-91): VEDNARCYPP[Pro81Ala]SMRVCAHRLA

ClinVar aggregate classification (germline): Uncertain significance (1 of 4 stars; one submission).

Conditions:
PLXNA3-related disorder. Also called: PLXNA3-related condition.

Allele frequency attached by ClinVar (database versions not stated): gnomAD exomes 0.00004; ExAC 0.00012; 1000 Genomes Project 30x 0.00021; 1000 Genomes Project 0.00026; TOPMed 0.00040; ESP Exome Variant Server 0.00076.
gnomAD v4.1: 71 of 1,202,576 alleles (0.0059%); highest among the groups gnomAD compares: African/African-American, 0.12%; no homozygotes.

Submission:

PreventionGenetics, part of Exact Sciences
Classification: Uncertain significance for PLXNA3-related condition. Last evaluated: 2026-09-07. Review status: criteria provided, single submitter. Criteria: ACMG Guidelines, 2015. Collection method: clinical testing. Allele origin: germline.
Comment: The PLXNA3 c.241C>G variant is predicted to result in the amino acid substitution p.Pro81Ala. To our knowledge, this variant has not been reported in the literature. This variant is reported in 0.087% of alleles in individuals of African descent in gnomAD, including 3 hemizygous individuals. Although we suspect that this variant may be benign, at this time, the clinical significance of this variant is uncertain due to the absence of conclusive functional and genetic evidence.